The following is an entry in ClinVar:

NM_001082486.2(ACD):c.1002C>G (p.Ser334Arg)

Gene: ACD (ACD shelterin complex subunit and telomerase recruitment factor; minus strand). Cytogenetic location: 16q22.1.
Variant type: single nucleotide variant.
Coding change: c.1002C>G on transcript NM_001082486.2 (MANE Select); coding-DNA position 1002, C replaced by G.
Protein change: p.Ser334Arg; replaces serine 334 with arginine.
Molecular consequence: missense variant.
Genome position (GRCh38, 1-based): chr16:67,658,190, G>C on the plus strand (C>G on the coding strand, the complement: ACD is on the minus strand). VCF-style: chr16-67658190-G-C. GRCh37 (hg19) VCF-style: chr16-67692093-G-C.
Other names: c.915C>G, p.Ser305Arg (NM_001410884.1); c.993C>G, p.Ser331Arg (NM_022914.3); short protein forms S305R, S334R, S331R.
Identifiers: ClinVar variation 1762978 (VCV001762978.2), dbSNP rs372195324, ClinGen allele CA396352529.

ClinVar aggregate classification (germline): Uncertain significance (1 of 4 stars; one submission).

Conditions:
Inborn genetic diseases. Identifiers: MedGen C0950123, MeSH D030342.

Submission:

Ambry Genetics
Classification: Uncertain significance for Inborn genetic diseases. Last evaluated: 2022-05-04. Review status: criteria provided, single submitter. Criteria: Ambry Variant Classification Scheme 2023. Collection method: clinical testing. Allele origin: germline.
Comment: The p.S420R variant (also known as c.1260C>G), located in coding exon 10 of the ACD gene, results from a C to G substitution at nucleotide position 1260. The serine at codon 420 is replaced by arginine, an amino acid with dissimilar properties. This amino acid position is conserved. In addition, this alteration is predicted to be tolerated by in silico analysis. Since supporting evidence is limited at this time, the clinical significance of this alteration remains unclear.